The following is an entry in ClinVar:

NM_001039141.3(TRIOBP):c.2387C>T (p.Ala796Val)

Gene: TRIOBP (TRIO and F-actin binding protein; plus strand). Cytogenetic location: 22q13.1.
Variant type: single nucleotide variant.
Coding change: c.2387C>T on transcript NM_001039141.3 (MANE Select); coding-DNA position 2387, C replaced by T.
Protein change: p.Ala796Val; replaces alanine 796 with valine.
Molecular consequence: missense variant.
Genome position (GRCh38, 1-based): chr22:37,724,943, C>T. VCF-style: chr22-37724943-C-T. GRCh37 (hg19) VCF-style: chr22-38120950-C-T.
Other names: short protein forms A796V.
Identifiers: ClinVar variation 4537655 (VCV004537655.1).

ClinVar aggregate classification (germline): Uncertain significance (1 of 4 stars; one submission).

gnomAD v4.1: 75 of 1,613,842 alleles (0.0046%); highest among the groups gnomAD compares: Non-Finnish European, 0.0062%; no homozygotes.

Submission:

GeneDx
Classification: Uncertain significance. Last evaluated: 2025-06-14. Review status: criteria provided, single submitter. Criteria: GeneDx Variant Classification Process June 2021. Collection method: clinical testing. Allele origin: germline. Affected: yes.
Comment: In silico analysis suggests that this missense variant does not alter protein structure/function; Has not been previously published as pathogenic or benign to our knowledge